The following is an entry in ClinVar:

NM_000020.3(ACVRL1):c.130_146delinsTGCACAGTAGTG (p.Pro44fs)

Gene: ACVRL1 (activin A receptor like type 1; plus strand). Cytogenetic location: 12q13.13.
Variant type: Indel.
Coding change: c.130_146delinsTGCACAGTAGTG on transcript NM_000020.3 (MANE Select); coding-DNA positions 130 to 146, CCTACCTGCCGGGGGGC replaced by TGCACAGTAGTG.
Protein change: p.Pro44fs; shifts the reading frame from proline 44.
Molecular consequence: frameshift variant.
Genome position (GRCh38, 1-based): chr12:51,913,167-51,913,183, CCTACCTGCCGGGGGGC replaced by TGCACAGTAGTG. VCF-style: chr12-51913167-CCTACCTGCCGGGGGGC-TGCACAGTAGTG. GRCh37 (hg19) VCF-style: chr12-52306951-CCTACCTGCCGGGGGGC-TGCACAGTAGTG.
Other names: c.130_146delinsTGCACAGTAGTG, p.Pro44fs (NM_001077401.2); c.130_146del17insTGCACAGTAGTG, p.Pro44Cysfs (NM_001406487.1, NM_001406488.1, NM_001406489.1 and 5 more transcripts); short protein forms P44fs.
Identifiers: ClinVar variation 1769388 (VCV001769388.2), dbSNP rs2540158399, ClinGen allele CA2580086430.

ClinVar aggregate classification (germline): Pathogenic (1 of 4 stars; one submission).

Conditions:
Cardiovascular phenotype. Identifiers: MedGen CN230736.

Submission:

Ambry Genetics
Classification: Pathogenic for Cardiovascular phenotype. Last evaluated: 2019-12-02. Review status: criteria provided, single submitter. Criteria: Ambry Variant Classification Scheme 2023. Collection method: clinical testing. Allele origin: germline.
Comment: The c.130_146del17ins12 variant, located in coding exon 2 of the ACVRL1 gene, results from the deletion of 17 nucleotides and insertion of 12 nucleotides at positions 130 to 146, causing a translational frameshift with a predicted alternate stop codon (p.P44Cfs*123). This alteration is expected to result in loss of function by premature protein truncation or nonsense-mediated mRNA decay. As such, this alteration is interpreted as a disease-causing mutation.